The following is an entry in ClinVar:

ClinVar aggregate classification (germline): Uncertain significance. Review status: criteria provided, multiple submitters, no conflicts (2 of 4 stars). 2 submissions from 2 submitters: Uncertain significance (2). Last evaluated 2024-12-12.

Conditions:
Inborn genetic diseases. Identifiers: MedGen C0950123, MeSH D030342.
Fanconi anemia (FA). Also called: Fanconi's anemia. Identifiers: Orphanet 84, MedGen C0015625, MeSH D005199, MONDO:0019391.

Allele frequency attached by ClinVar (database versions not stated): gnomAD exomes below 0.00001; TOPMed below 0.00001; gnomAD 0.00001.
gnomAD v4.1: 5 of 1,613,986 alleles (0.00031%); highest among the groups gnomAD compares: Non-Finnish European, 0.00042%; no homozygotes.

Submissions (2):

Ambry Genetics
Classification: Uncertain significance for Inborn genetic diseases. Last evaluated: 2024-12-12. Review status: criteria provided, single submitter. Criteria: Ambry Variant Classification Scheme 2023. Collection method: clinical testing. Allele origin: germline.
Comment: The p.F211L variant (also known as c.631T>C), located in coding exon 7 of the FANCA gene, results from a T to C substitution at nucleotide position 631. The phenylalanine at codon 211 is replaced by leucine, an amino acid with highly similar properties. This amino acid position is conserved. In addition, this alteration is predicted to be tolerated by in silico analysis. Based on the available evidence, the clinical significance of this variant remains unclear.

Labcorp Genetics (formerly Invitae), Labcorp
Classification: Uncertain significance for Fanconi anemia. Last evaluated: 2022-03-05. Review status: criteria provided, single submitter. Criteria: Invitae Variant Classification Sherloc (09022015). Collection method: clinical testing. Allele origin: germline.
Comment: This sequence change replaces phenylalanine, which is neutral and non-polar, with leucine, which is neutral and non-polar, at codon 211 of the FANCA protein (p.Phe211Leu). This variant is not present in population databases (gnomAD no frequency). This variant has not been reported in the literature in individuals affected with FANCA-related conditions. Advanced modeling of protein sequence and biophysical properties (such as structural, functional, and spatial information, amino acid conservation, physicochemical variation, residue mobility, and thermodynamic stability) performed at Invitae indicates that this missense variant is not expected to disrupt FANCA protein function. In summary, the available evidence is currently insufficient to determine the role of this variant in disease. Therefore, it has been classified as a Variant of Uncertain Significance.

NM_000135.4(FANCA):c.631T>C (p.Phe211Leu)

Gene: FANCA (FA complementation group A; minus strand). Cytogenetic location: 16q24.3.
Variant type: single nucleotide variant.
Coding change: c.631T>C on transcript NM_000135.4 (MANE Select); coding-DNA position 631, T replaced by C.
Protein change: p.Phe211Leu; replaces phenylalanine 211 with leucine.
Molecular consequence: missense variant.
Genome position (GRCh38, 1-based): chr16:89,805,358, A>G on the plus strand (T>C on the coding strand, the complement: FANCA is on the minus strand). VCF-style: chr16-89805358-A-G. GRCh37 (hg19) VCF-style: chr16-89871766-A-G.
Other names: c.631T>C, p.Phe211Leu (NM_001018112.3, NM_001286167.3); c.535T>C, p.Phe179Leu (NM_001351830.2); short protein forms F211L, F179L.
Identifiers: ClinVar variation 2036713 (VCV002036713.5), dbSNP rs2040600874, ClinGen allele CA397478108.
Genomic context (GRCh38, chr16:89,805,358, plus strand): 5'-CGACGTCAGCATGCTGGCAGGATGCTTCCATCTGTTCACAAAGGCAGCACAGATTCCTGA[A>G]GAGCCACGATCCCACAGCATGCATGTCGGGATGGCTGGAGACACACACAGAGGCAGACGT-3'
Protein context (NP_000126.2, residues 201-221): PDMHAVGSWL[Phe211Leu]RNLCCLCEQM